The following is an entry in ClinVar:

ClinVar aggregate classification (germline): Uncertain significance (1 of 4 stars; one submission).

Conditions:
Carney complex, type 1 (CNC1). Also called: CARNEY MYXOMA-ENDOCRINE COMPLEX; CARNEY COMPLEX, TYPE I. Identifiers: Orphanet 1359, MedGen C2607929, MONDO:0008057, OMIM 160980.

Allele frequency attached by ClinVar (database versions not stated): TOPMed below 0.00001.

Submission:

Labcorp Genetics (formerly Invitae), Labcorp
Classification: Uncertain significance for Carney complex, type 1. Last evaluated: 2022-01-03. Review status: criteria provided, single submitter. Criteria: Invitae Variant Classification Sherloc (09022015). Collection method: clinical testing. Allele origin: germline.
Comment: This variant has not been reported in the literature in individuals affected with PRKAR1A-related conditions. Algorithms developed to predict the effect of missense changes on protein structure and function are either unavailable or do not agree on the potential impact of this missense change (SIFT: "Deleterious"; PolyPhen-2: "Possibly Damaging"; Align-GVGD: "Class C15"). In summary, the available evidence is currently insufficient to determine the role of this variant in disease. Therefore, it has been classified as a Variant of Uncertain Significance. This sequence change replaces valine, which is neutral and non-polar, with glycine, which is neutral and non-polar, at codon 156 of the PRKAR1A protein (p.Val156Gly). This variant is not present in population databases (gnomAD no frequency).

NM_002734.5(PRKAR1A):c.467T>G (p.Val156Gly)

Gene: PRKAR1A (protein kinase cAMP-dependent type I regulatory subunit alpha; plus strand). Cytogenetic location: 17q24.2.
Variant type: single nucleotide variant.
Coding change: c.467T>G on transcript NM_002734.5 (MANE Select); coding-DNA position 467, T replaced by G.
Protein change: p.Val156Gly; replaces valine 156 with glycine.
Molecular consequence: missense variant.
Genome position (GRCh38, 1-based): chr17:68,524,042, T>G. VCF-style: chr17-68524042-T-G. GRCh37 (hg19) VCF-style: chr17-66520183-T-G.
Other names: c.467T>G, p.Val156Gly (NM_001276289.2, NM_001276290.1, NM_001278433.2 and 4 more transcripts); short protein forms V156G.
Identifiers: ClinVar variation 2421902 (VCV002421902.6), dbSNP rs768408952, ClinGen allele CA400752835.